The following is an entry in ClinVar:

ClinVar aggregate classification (germline): Uncertain significance. Review status: criteria provided, multiple submitters, no conflicts (2 of 4 stars). 3 submissions from 3 submitters: Uncertain significance (3). Last evaluated 2025-12-16.

Conditions:
History of neurodevelopmental disorder. Identifiers: MedGen C2711754.
Neuropathy, hereditary sensory, type 2C. Also called: KIF1A-Related HSAN2 (HSAN2C); Hereditary sensory and autonomic neuropathy type IIC. Identifiers: Orphanet 970, MedGen C3280168, MONDO:0013634, OMIM 614213.
Intellectual disability, autosomal dominant 9 (NESCAVS). Also called: NESCAV SYNDROME; KIF1A-Related Neurodevelopmental Disorder. Identifiers: Orphanet 662367, MedGen C5393830, MONDO:0013656, OMIM 614255.
Hereditary spastic paraplegia 30. Identifiers: Orphanet 101010, MedGen C5235139, MONDO:0012476.

Allele frequency attached by ClinVar (database versions not stated): gnomAD 0.00001 and 0.00002; ExAC 0.00004.
gnomAD v4.1: 19 of 1,301,454 alleles (0.0015%); highest among the groups gnomAD compares: African/African-American, 0.0016%; no homozygotes.

Submissions (3):

Labcorp Genetics (formerly Invitae), Labcorp
Classification: Uncertain significance for Hereditary spastic paraplegia 30; Neuropathy, hereditary sensory, type 2C; Intellectual disability, autosomal dominant 9. Last evaluated: 2025-12-16. Review status: criteria provided, single submitter. Criteria: Invitae Variant Classification Sherloc (09022015). Collection method: clinical testing. Allele origin: germline.
Comment: This sequence change falls in intron 3 of the KIF1A gene. It does not directly change the encoded amino acid sequence of the KIF1A protein. It affects a nucleotide within the consensus splice site. The frequency data for this variant in the population databases is considered unreliable, as metrics indicate poor data quality at this position in the gnomAD database. This variant has not been reported in the literature in individuals affected with KIF1A-related conditions. ClinVar contains an entry for this variant (Variation ID: 532902). Variants that disrupt the consensus splice site are a relatively common cause of aberrant splicing (PMID: 17576681, 9536098). Algorithms developed to predict the effect of sequence changes on RNA splicing suggest that this variant is not likely to affect RNA splicing. In summary, the available evidence is currently insufficient to determine the role of this variant in disease. Therefore, it has been classified as a Variant of Uncertain Significance.

GeneDx
Classification: Uncertain significance. Last evaluated: 2021-04-19. Review status: criteria provided, single submitter. Criteria: GeneDx Variant Classification Process June 2021. Collection method: clinical testing. Allele origin: germline. Affected: yes.
Comment: Has not been previously published as pathogenic or benign to our knowledge; In-silico analysis, which includes splice predictors and evolutionary conservation, is inconclusive as to whether the variant alters gene splicing. In the absence of RNA/functional studies, the actual effect of this sequence change is unknown.

Ambry Genetics
Classification: Uncertain significance for History of neurodevelopmental disorder. Last evaluated: 2017-05-31. Review status: criteria provided, single submitter. Criteria: Ambry Autosomal Dominant and X-Linked criteria (3/2017). Collection method: clinical testing. Allele origin: germline. Observed: 1 variant allele.
Comment: The c.363+4C>T intronic variant results from a C to T substitution 4 nucleotides after coding exon 3 in the KIF1A gene. This nucleotide position is not well conserved in available vertebrate species. Using the BDGP and ESEfinder splice site prediction tools, this alteration is not predicted to have any significant effect on this splice donor site; however, direct evidence is unavailable. Since supporting evidence is limited at this time, the clinical significance of this alteration remains unclear.

Literature cited by the submitters: PubMed 17576681 (cited by Labcorp Genetics (formerly Invitae), Labcorp); PubMed 9536098 (cited by Labcorp Genetics (formerly Invitae), Labcorp).

NM_001244008.2(KIF1A):c.363+4C>T

Gene: KIF1A (kinesin family member 1A; minus strand). Cytogenetic location: 2q37.3.
Variant type: single nucleotide variant.
Coding change: c.363+4C>T on transcript NM_001244008.2 (MANE Select); 4 bases into the intron after coding-DNA position 363, C replaced by T.
Molecular consequence: intron variant.
Genome position (GRCh38, 1-based): chr2:240,788,047, G>A on the plus strand (C>T on the coding strand, the complement: KIF1A is on the minus strand). VCF-style: chr2-240788047-G-A. GRCh37 (hg19) VCF-style: chr2-241727464-G-A.
Other names: c.363+4C>T (NM_001379653.1, NM_001379650.1, NM_001379645.1 and 20 more transcripts).
Identifiers: ClinVar variation 532902 (VCV000532902.14), dbSNP rs770137926, ClinGen allele CA2208833.